The following is an entry in ClinVar:

NM_001005242.3(PKP2):c.224-1G>A

Gene: PKP2 (plakophilin 2; minus strand). Cytogenetic location: 12p11.21.
Variant type: single nucleotide variant.
Coding change: c.224-1G>A on transcript NM_001005242.3 (MANE Select); the canonical splice acceptor site of the intron before coding-DNA position 224, G replaced by A.
Molecular consequence: splice acceptor variant.
Genome position (GRCh38, 1-based): chr12:32,879,033, C>T on the plus strand (G>A on the coding strand, the complement: PKP2 is on the minus strand). VCF-style: chr12-32879033-C-T. GRCh37 (hg19) VCF-style: chr12-33031967-C-T.
Other names: c.224-1G>A (NM_001407156.1, NM_001407155.1, NM_004572.4 and 2 more transcripts); c.-104-1G>A (NM_001407160.1, NM_001407159.1, NM_001407158.1 and 1 more transcripts).
Identifiers: ClinVar variation 2046788 (VCV002046788.4), dbSNP rs2541345285, ClinGen allele CA384366695.

ClinVar aggregate classification (germline): Likely pathogenic (1 of 4 stars; one submission).

Conditions:
Arrhythmogenic right ventricular dysplasia 9 (ARVD9). Also called: Arrhythmogenic Right Ventricular Dysplasia/Cardiomyopathy 9; ARRHYTHMOGENIC RIGHT VENTRICULAR DYSPLASIA, FAMILIAL, 9. Identifiers: MedGen C1836906, MONDO:0012180, OMIM 609040.

Submission:

Labcorp Genetics (formerly Invitae), Labcorp
Classification: Likely pathogenic for Arrhythmogenic right ventricular dysplasia 9. Last evaluated: 2024-06-01. Review status: criteria provided, single submitter. Criteria: Invitae Variant Classification Sherloc (09022015). Collection method: clinical testing. Allele origin: germline.
Comment: This sequence change affects an acceptor splice site in intron 1 of the PKP2 gene. It is expected to disrupt RNA splicing. Variants that disrupt the donor or acceptor splice site typically lead to a loss of protein function (PMID: 16199547), and loss-of-function variants in PKP2 are known to be pathogenic (PMID: 15489853, 17041889, 23911551). This variant is not present in population databases (gnomAD no frequency). This variant has not been reported in the literature in individuals affected with PKP2-related conditions. ClinVar contains an entry for this variant (Variation ID: 2046788). Algorithms developed to predict the effect of sequence changes on RNA splicing suggest that this variant may disrupt the consensus splice site. In summary, the currently available evidence indicates that the variant is pathogenic, but additional data are needed to prove that conclusively. Therefore, this variant has been classified as Likely Pathogenic.

Literature cited by the submitters: PubMed 16199547; PubMed 15489853; PubMed 17041889; PubMed 23911551.